The following is an entry in ClinVar:

ClinVar aggregate classification (germline): Uncertain significance (1 of 4 stars; one submission).

Conditions:
Lymphoproliferative syndrome 2 (LPFS2). Also called: Combined immunodeficiency due to CD27 deficiency; CD27 DEFICIENCY. Identifiers: MedGen C3554540, MONDO:0014054, OMIM 615122, Orphanet 238505.

Submission:

Labcorp Genetics (formerly Invitae), Labcorp
Classification: Uncertain significance for Lymphoproliferative syndrome 2. Last evaluated: 2020-11-20. Review status: criteria provided, single submitter. Criteria: Invitae Variant Classification Sherloc (09022015). Collection method: clinical testing. Allele origin: germline.
Comment: This sequence change falls in intron 2 of the CD27 gene. It does not directly change the encoded amino acid sequence of the CD27 protein. It affects a nucleotide within the consensus splice site of the intron. This variant is not present in population databases (ExAC no frequency). This variant has not been reported in the literature in individuals with CD27-related conditions. Nucleotide substitutions within the consensus splice site are a relatively common cause of aberrant splicing (PMID: 17576681, 9536098). Algorithms developed to predict the effect of sequence changes on RNA splicing suggest that this variant is not likely to affect RNA splicing, but this prediction has not been confirmed by published transcriptional studies. In summary, the available evidence is currently insufficient to determine the role of this variant in disease. Therefore, it has been classified as a Variant of Uncertain Significance.

Literature cited by the submitters: PubMed 17576681; PubMed 9536098.

NM_001242.5(CD27):c.268+3G>A

Genes: CD27 (CD27 molecule; plus strand), CD27-AS1 (CD27 antisense RNA 1; minus strand). Cytogenetic location: 12p13.31.
Variant type: single nucleotide variant.
Coding change: c.268+3G>A on transcript NM_001242.5 (MANE Select); 3 bases into the intron after coding-DNA position 268, G replaced by A.
Molecular consequence: intron variant.
Genome position (GRCh38, 1-based): chr12:6,445,558, G>A. VCF-style: chr12-6445558-G-A. GRCh37 (hg19) VCF-style: chr12-6554724-G-A.
Identifiers: ClinVar variation 1491833 (VCV001491833.1), dbSNP rs2136960836, ClinGen allele CA2573148475.
Genomic context (GRCh38, chr12:6,445,558, plus strand): 5'-TTCTCTCCTGACCACCACACCCGGCCCCACTGTGAGAGCTGTCGGCACTGTAACTCTGGT[G>A]AGGTGGGCAAGGGTGTGTAGGTGGGGACGATGGACAAGCATCTGGGGGAGCAAGGCTGGT-3'